The following is an entry in ClinVar:

ClinVar aggregate classification (germline): Uncertain significance. Review status: criteria provided, single submitter (1 of 4 stars). 2 submissions from 2 submitters: Uncertain significance (1). 1 of the submissions does not count toward it. Last evaluated 2026-02-17.

Conditions:
Cystic fibrosis (CF). Also called: MUCOVISCIDOSIS. Identifiers: Orphanet 586, MedGen C0010674, MONDO:0009061, OMIM 219700. Disease mechanism: loss of function.

Submissions (2):

Ambry Genetics
Classification: Uncertain significance for Cystic fibrosis. Last evaluated: 2026-02-17. Review status: criteria provided, single submitter. Criteria: Ambry Variant Classification Scheme 2023. Collection method: clinical testing. Allele origin: germline.
Comment: The c.1766+3A>T intronic variant results from an A to T substitution 3 nucleotides after coding exon 13 in the CFTR gene. This nucleotide position is well conserved in available vertebrate species. In silico splice site analysis predicts that this alteration will weaken the native splice donor site. Additional variants impacting this splice site (c.1766 historically named as c.1898), including c.1766+3A>G, c.1766+3A>C, and c.1766+5G>T, have been confirmed to cause skipping of exon 12 and have been reported in individuals with cystic fibrosis (Cremonesi L et al. Hum. Mutat., 1992;1:314-9; Zielenski et al Annu Rev Genet. 1995; 29:777-807; Kinnunen S et al. J. Cyst. Fibros., 2005 Dec;4:233-7; Dujardin G, J. Cyst. Fibros. 2011 May; 10(3):212-6; Raynal et al Hum Mutat 2013; 34(5):774-784). Based on the available evidence, the clinical significance of this variant remains unclear.

Natera, Inc.
Classification: Uncertain significance for Cystic Fibrosis. Last evaluated: 2020-09-16. Review status: no assertion criteria provided. Collection method: clinical testing. Allele origin: germline. Not counted in ClinVar's aggregate classification.

NM_000492.4(CFTR):c.1766+3A>T

Gene: CFTR (CF transmembrane conductance regulator; plus strand). Cytogenetic location: 7q31.2.
Variant type: single nucleotide variant.
Coding change: c.1766+3A>T on transcript NM_000492.4 (MANE Select); 3 bases into the intron after coding-DNA position 1766, A replaced by T.
Molecular consequence: intron variant.
Genome position (GRCh38, 1-based): chr7:117,590,442, A>T. VCF-style: chr7-117590442-A-T. GRCh37 (hg19) VCF-style: chr7-117230496-A-T.
Identifiers: ClinVar variation 820016 (VCV000820016.6), dbSNP rs397508298, ClinGen allele CA915945423.
Genomic context (GRCh38, chr7:117,590,442, plus strand): 5'-TATTAGACTCTCCTTTTGGATACCTAGATGTTTTAACAGAAAAAGAAATATTTGAAAGGT[A>T]TGTTCTTTGAATACCTTACTTATAATGCTCATGCTAAAATAAAAGAAAGACAGACTGTCC-3'